The following is an entry in ClinVar:

ClinVar aggregate classification (germline): Uncertain significance (1 of 4 stars; one submission).

Submission:

Labcorp Genetics (formerly Invitae), Labcorp
Classification: Uncertain significance. Last evaluated: 2022-05-06. Review status: criteria provided, single submitter. Criteria: Invitae Variant Classification Sherloc (09022015). Collection method: clinical testing. Allele origin: germline.
Comment: In summary, the available evidence is currently insufficient to determine the role of this variant in disease. Therefore, it has been classified as a Variant of Uncertain Significance. Algorithms developed to predict the effect of missense changes on protein structure and function are either unavailable or do not agree on the potential impact of this missense change (SIFT: "Tolerated"; PolyPhen-2: "Probably Damaging"; Align-GVGD: "Class C25"). This variant has not been reported in the literature in individuals affected with GTF2E2-related conditions. This variant is not present in population databases (gnomAD no frequency). This sequence change replaces proline, which is neutral and non-polar, with serine, which is neutral and polar, at codon 176 of the GTF2E2 protein (p.Pro176Ser).

NM_002095.6(GTF2E2):c.526C>T (p.Pro176Ser)

Gene: GTF2E2 (general transcription factor IIE subunit 2; minus strand). Cytogenetic location: 8p12.
Variant type: single nucleotide variant.
Coding change: c.526C>T on transcript NM_002095.6 (MANE Select); coding-DNA position 526, C replaced by T.
Protein change: p.Pro176Ser; replaces proline 176 with serine.
Molecular consequence: missense variant.
Genome position (GRCh38, 1-based): chr8:30,612,322, G>A on the plus strand (C>T on the coding strand, the complement: GTF2E2 is on the minus strand). VCF-style: chr8-30612322-G-A. GRCh37 (hg19) VCF-style: chr8-30469839-G-A.
Other names: c.526C>T, p.Pro176Ser (NM_001348353.1); short protein forms P176S.
Identifiers: ClinVar variation 2134852 (VCV002134852.4), dbSNP rs2487815765, ClinGen allele CA370879079.